The following is an entry in ClinVar:

ClinVar aggregate classification (germline): Uncertain significance (1 of 4 stars; one submission).

Submission:

Labcorp Genetics (formerly Invitae), Labcorp
Classification: Uncertain significance. Last evaluated: 2024-10-09. Review status: criteria provided, single submitter. Criteria: Invitae Variant Classification Sherloc (09022015). Collection method: clinical testing. Allele origin: germline.
Comment: This sequence change replaces cysteine, which is neutral and slightly polar, with serine, which is neutral and polar, at codon 145 of the IFT57 protein (p.Cys145Ser). This variant is not present in population databases (gnomAD no frequency). This variant has not been reported in the literature in individuals affected with IFT57-related conditions. An algorithm developed to predict the effect of missense changes on protein structure and function (PolyPhen-2) suggests that this variant is likely to be disruptive. In summary, the available evidence is currently insufficient to determine the role of this variant in disease. Therefore, it has been classified as a Variant of Uncertain Significance.

NM_018010.4(IFT57):c.433T>A (p.Cys145Ser)

Gene: IFT57 (intraflagellar transport 57; minus strand). Cytogenetic location: 3q13.13.
Variant type: single nucleotide variant.
Coding change: c.433T>A on transcript NM_018010.4 (MANE Select); coding-DNA position 433, T replaced by A.
Protein change: p.Cys145Ser; replaces cysteine 145 with serine.
Molecular consequence: missense variant.
Genome position (GRCh38, 1-based): chr3:108,218,596, A>T on the plus strand (T>A on the coding strand, the complement: IFT57 is on the minus strand). VCF-style: chr3-108218596-A-T. GRCh37 (hg19) VCF-style: chr3-107937443-A-T.
Other names: short protein forms C145S.
Identifiers: ClinVar variation 3722547 (VCV003722547.2).